The following is an entry in ClinVar:

NM_001142800.2(EYS):c.3799G>A (p.Glu1267Lys)

Gene: EYS (eyes shut homolog; minus strand). Cytogenetic location: 6q12.
Variant type: single nucleotide variant.
Coding change: c.3799G>A on transcript NM_001142800.2 (MANE Select); coding-DNA position 3799, G replaced by A.
Protein change: p.Glu1267Lys; replaces glutamic acid 1267 with lysine.
Molecular consequence: missense variant.
Genome position (GRCh38, 1-based): chr6:64,593,195, C>T on the plus strand (G>A on the coding strand, the complement: EYS is on the minus strand). VCF-style: chr6-64593195-C-T. GRCh37 (hg19) VCF-style: chr6-65303088-C-T.
Other names: c.3799G>A, p.Glu1267Lys (NM_001292009.2); short protein forms E1267K.
Identifiers: ClinVar variation 1509857 (VCV001509857.3), dbSNP rs1704195448, ClinGen allele CA364784704.

ClinVar aggregate classification (germline): Uncertain significance (1 of 4 stars; one submission).

Allele frequency attached by ClinVar (database versions not stated): TOPMed below 0.00001; gnomAD exomes 0.00003.
gnomAD v4.1: 47 of 1,549,884 alleles (0.003%); highest among the groups gnomAD compares: Non-Finnish European, 0.0038%; no homozygotes.

Submission:

Labcorp Genetics (formerly Invitae), Labcorp
Classification: Uncertain significance. Last evaluated: 2021-10-22. Review status: criteria provided, single submitter. Criteria: Invitae Variant Classification Sherloc (09022015). Collection method: clinical testing. Allele origin: germline.
Comment: This sequence change replaces glutamic acid with lysine at codon 1267 of the EYS protein (p.Glu1267Lys). The glutamic acid residue is moderately conserved and there is a small physicochemical difference between glutamic acid and lysine. This variant is not present in population databases (ExAC no frequency). This variant has not been reported in the literature in individuals affected with EYS-related conditions. Algorithms developed to predict the effect of missense changes on protein structure and function (SIFT, PolyPhen-2, Align-GVGD) all suggest that this variant is likely to be tolerated. In summary, the available evidence is currently insufficient to determine the role of this variant in disease. Therefore, it has been classified as a Variant of Uncertain Significance.